The following is an entry in ClinVar:

NM_001098671.2(RASGRP2):c.17A>G (p.Asp6Gly)

Genes: RASGRP2 (RAS guanyl releasing protein 2; minus strand), LOC130005945 (ATAC-STARR-seq lymphoblastoid silent region 3482; plus strand). Cytogenetic location: 11q13.1.
Variant type: single nucleotide variant.
Coding change: c.17A>G on transcript NM_001098671.2 (MANE Select); coding-DNA position 17, A replaced by G.
Protein change: p.Asp6Gly; replaces aspartic acid 6 with glycine.
Molecular consequence: missense variant. On other transcripts: 5 prime UTR variant (1).
Genome position (GRCh38, 1-based): chr11:64,742,850, T>C on the plus strand (A>G on the coding strand, the complement: RASGRP2 is on the minus strand). VCF-style: chr11-64742850-T-C. GRCh37 (hg19) VCF-style: chr11-64510322-T-C.
Other names: c.17A>G, p.Asp6Gly (NM_001098670.2, NM_153819.2); c.-339A>G (NM_001318398.2); short protein forms D6G.
Identifiers: ClinVar variation 290751 (VCV000290751.9), dbSNP rs142746069, ClinGen allele CA6079408.
Genomic context (GRCh38, chr11:64,742,850, plus strand): 5'-TCACCGAAGGCTTCGATGCACCCGCGGAGCAGCTCCTCCACCGTGCAGCCCTTGTCCAGG[T>C]CCAGGGTGCCTGCCATGGCCGCCGGCGCGGGGTGGGCTGGGCCCAGGCTGCGCTCCGGGA-3'
Protein context (NP_001092141.1, residues 1-16): MAGTL[Asp6Gly]LDKGCTVEEL

ClinVar aggregate classification (germline): Uncertain significance. Review status: criteria provided, multiple submitters, no conflicts (2 of 4 stars). 4 submissions from 4 submitters: Uncertain significance (4). Last evaluated 2025-01-16.

Conditions:
Inborn genetic diseases. Identifiers: MedGen C0950123, MeSH D030342.

Allele frequency attached by ClinVar (database versions not stated): gnomAD exomes 0.00030; TOPMed 0.00033; gnomAD 0.00037 and 0.00039; ExAC 0.00040; ESP Exome Variant Server 0.00046.

Submissions (4):

Ambry Genetics
Classification: Uncertain significance for Inborn genetic diseases. Last evaluated: 2025-01-16. Review status: criteria provided, single submitter. Criteria: Ambry Variant Classification Scheme 2023. Collection method: clinical testing. Allele origin: germline.

Labcorp Genetics (formerly Invitae), Labcorp
Classification: Uncertain significance. Last evaluated: 2023-08-10. Review status: criteria provided, single submitter. Criteria: Invitae Variant Classification Sherloc (09022015). Collection method: clinical testing. Allele origin: germline.
Comment: This sequence change replaces aspartic acid, which is acidic and polar, with glycine, which is neutral and non-polar, at codon 6 of the RASGRP2 protein (p.Asp6Gly). This variant is present in population databases (rs142746069, gnomAD 0.05%). This variant has not been reported in the literature in individuals affected with RASGRP2-related conditions. ClinVar contains an entry for this variant (Variation ID: 290751). An algorithm developed to predict the effect of missense changes on protein structure and function (PolyPhen-2) suggests that this variant¬†is likely to be tolerated. In summary, the available evidence is currently insufficient to determine the role of this variant in disease. Therefore, it has been classified as a Variant of Uncertain Significance.

GeneDx
Classification: Uncertain significance. Last evaluated: 2022-09-27. Review status: criteria provided, single submitter. Criteria: GeneDx Variant Classification Process June 2021. Collection method: clinical testing. Allele origin: germline. Affected: yes.
Comment: In silico analysis supports that this missense variant has a deleterious effect on protein structure/function; Has not been previously published as pathogenic or benign to our knowledge

Eurofins Ntd Llc (ga)
Classification: Uncertain significance. Last evaluated: 2018-06-27. Review status: criteria provided, single submitter. Criteria: EGL ClinVar v180209 classification definitions. Collection method: clinical testing. Allele origin: germline. Observed: 2 variant alleles, 2 heterozygotes.